The following is an entry in ClinVar:

NM_004621.6(TRPC6):c.923C>A (p.Ala308Asp)

Gene: TRPC6 (transient receptor potential cation channel subfamily C member 6; minus strand). Cytogenetic location: 11q22.1.
Variant type: single nucleotide variant.
Coding change: c.923C>A on transcript NM_004621.6 (MANE Select); coding-DNA position 923, C replaced by A.
Protein change: p.Ala308Asp; replaces alanine 308 with aspartic acid.
Molecular consequence: missense variant.
Genome position (GRCh38, 1-based): chr11:101,504,046, G>T on the plus strand (C>A on the coding strand, the complement: TRPC6 is on the minus strand). VCF-style: chr11-101504046-G-T. GRCh37 (hg19) VCF-style: chr11-101374777-G-T.
Other names: short protein forms A308D.
Identifiers: ClinVar variation 3234062 (VCV003234062.1), dbSNP rs1860194620, ClinGen allele CA382447978.

ClinVar aggregate classification (germline): Uncertain significance (1 of 4 stars; one submission).

Conditions:
Focal segmental glomerulosclerosis 2 (FSGS2). Identifiers: Orphanet 656, MedGen C1858915, MONDO:0011390, OMIM 603965.

Submission:

MVZ Medizinische Genetik Mainz
Classification: Uncertain significance for Focal segmental glomerulosclerosis 2. Last evaluated: 2022-05-24. Review status: criteria provided, single submitter. Criteria: UK Practice Guidelines For Variant Classification V4 01 2020. Collection method: clinical testing. Allele origin: germline. Inheritance: Autosomal dominant inheritance. Affected: yes. Observed: 1 variant allele.
Comment: ACMG Criteria: PM2_SUP,PP3